The following is an entry in ClinVar:

NM_001184727.2(GPRASP1):c.1800T>G (p.Cys600Trp)

Genes: ARMCX5-GPRASP2 (ARMCX5-GPRASP2 readthrough; plus strand), GPRASP1 (G protein-coupled receptor associated sorting protein 1; plus strand). Cytogenetic location: Xq22.1.
Variant type: single nucleotide variant.
Coding change: c.1800T>G on transcript NM_001184727.2 (MANE Select); coding-DNA position 1800, T replaced by G.
Protein change: p.Cys600Trp; replaces cysteine 600 with tryptophan.
Molecular consequence: missense variant. On other transcripts: intron variant (2).
Genome position (GRCh38, 1-based): chrX:102,655,713, T>G. VCF-style: chrX-102655713-T-G. GRCh37 (hg19) VCF-style: chrX-101910641-T-G.
Other names: c.1800T>G, p.Cys600Trp (NM_001099410.2, NM_001099411.2, NM_014710.5); c.-480+50060T>G (NM_001199818.1); c.-966+50060T>G (NM_001350268.2); short protein forms C600W.
Identifiers: ClinVar variation 3043366 (VCV003043366.2), dbSNP rs2521351219, ClinGen allele CA414064946.

ClinVar aggregate classification (germline): Uncertain significance (0 of 4 stars; one submission).

Conditions:
GPRASP1-related disorder. Also called: GPRASP1-related condition.

Submission:

PreventionGenetics, part of Exact Sciences
Classification: Uncertain significance for GPRASP1-related condition. Last evaluated: 2023-12-21. Review status: no assertion criteria provided. Collection method: clinical testing. Allele origin: germline.
Comment: The GPRASP1 c.1800T>G variant is predicted to result in the amino acid substitution p.Cys600Trp. To our knowledge, this variant has not been reported in the literature or in a large population database, indicating this variant is rare. At this time, the clinical significance of this variant is uncertain due to the absence of conclusive functional and genetic evidence.